The following is an entry in ClinVar:

ClinVar aggregate classification (germline): Likely benign. Review status: criteria provided, multiple submitters, no conflicts (2 of 4 stars). 2 submissions from 2 submitters: Likely benign (2). Last evaluated 2025-09-10.

Conditions:
SNRNP200-related disorder. Also called: SNRNP200-related condition.

Allele frequency attached by ClinVar (database versions not stated): ExAC 0.00001; gnomAD exomes 0.00001.
gnomAD v4.1: 9 of 1,614,010 alleles (0.00056%); highest among the groups gnomAD compares: East Asian, 0.0022%; 1 homozygote.

Submissions (2):

PreventionGenetics, part of Exact Sciences
Classification: Likely benign for SNRNP200-related condition. Last evaluated: 2025-09-10. Review status: criteria provided, single submitter. Criteria: ACMG Guidelines, 2015. Collection method: clinical testing. Allele origin: germline.
Comment: This variant is classified as likely benign based on ACMG/AMP sequence variant interpretation guidelines (Richards et al. 2015 PMID: 25741868, with internal and published modifications).

Labcorp Genetics (formerly Invitae), Labcorp
Classification: Likely benign. Last evaluated: 2022-02-22. Review status: criteria provided, single submitter. Criteria: Invitae Variant Classification Sherloc (09022015). Collection method: clinical testing. Allele origin: germline.

NM_014014.5(SNRNP200):c.1584C>T (p.Asp528=)

Gene: SNRNP200 (small nuclear ribonucleoprotein U5 subunit 200; minus strand). Cytogenetic location: 2q11.2.
Variant type: single nucleotide variant.
Coding change: c.1584C>T on transcript NM_014014.5 (MANE Select); coding-DNA position 1584, C replaced by T.
Protein change: p.Asp528=; no amino-acid change (aspartic acid 528 retained).
Molecular consequence: synonymous variant.
Genome position (GRCh38, 1-based): chr2:96,296,623, G>A on the plus strand (C>T on the coding strand, the complement: SNRNP200 is on the minus strand). VCF-style: chr2-96296623-G-A. GRCh37 (hg19) VCF-style: chr2-96962361-G-A.
Other names: c.1584C>T (NM_014014.4).
Identifiers: ClinVar variation 1920147 (VCV001920147.6), dbSNP rs774926894, ClinGen allele CA1778891.